The following is an entry in ClinVar:

NM_144997.7(FLCN):c.1433-1G>T

Gene: FLCN (folliculin; minus strand). Cytogenetic location: 17p11.2.
Variant type: single nucleotide variant.
Coding change: c.1433-1G>T on transcript NM_144997.7 (MANE Select); the canonical splice acceptor site of the intron before coding-DNA position 1433, G replaced by T.
Molecular consequence: splice acceptor variant.
Genome position (GRCh38, 1-based): chr17:17,215,091, C>A on the plus strand (G>T on the coding strand, the complement: FLCN is on the minus strand). VCF-style: chr17-17215091-C-A. GRCh37 (hg19) VCF-style: chr17-17118405-C-A.
Other names: c.1433-1G>T (NM_001353231.2, NM_001353230.2); c.1487-1G>T (NM_001353229.2).
Identifiers: ClinVar variation 1772544 (VCV001772544.3), dbSNP rs2544143046, ClinGen allele CA398531037.
Genomic context (GRCh38, chr17:17,215,091, plus strand): 5'-CCACAGACAGGTTCTGGTTGGTCAGAGCCGCTTCAATCTTATTCAGGATGGTGGGGCCCA[C>A]TGGGGAGAAGGGCAGGGGCAGAGCAAGGGCAGGCGTTAGCGCGGGGCGGGGGCATCTTCT-3'

ClinVar aggregate classification (germline): Pathogenic. Review status: criteria provided, single submitter (1 of 4 stars). 2 submissions from 2 submitters: Pathogenic (1). 1 of the submissions does not count toward it. Last evaluated 2016-12-28.

Conditions:
Hereditary cancer-predisposing syndrome. Also called: Tumor predisposition; Neoplastic Syndromes, Hereditary; Hereditary Cancer Syndrome; Hereditary neoplastic syndrome. Identifiers: Orphanet 140162, MedGen C0027672, MeSH D009386, MONDO:0015356.
Birt-Hogg-Dube syndrome. Also called: Birt Hogg Dubé syndrome. Identifiers: Orphanet 122, MedGen C0346010, MONDO:0800444.

Submissions (2):

Ambry Genetics
Classification: Pathogenic for Hereditary cancer-predisposing syndrome. Last evaluated: 2016-12-28. Review status: criteria provided, single submitter. Criteria: Ambry Variant Classification Scheme 2023. Collection method: clinical testing. Allele origin: germline.
Comment: The c.1433-1G>T intronic pathogenic mutation results from a G to T substitution one nucleotide upstream from coding exon 10 of the FLCN gene. This mutation has been reported in individuals with clinical features of Birt-Hogg-Dub&eacute; syndrome (Kunogi M et al. J. Med. Genet., 2010 Apr;47:281-7; Kumasaka T et al. Histopathology, 2014 Jul;65:100-10). This nucleotide position is well conserved in available vertebrate species. Using the BDGP and ESEfinder splice site prediction tools, this alteration is predicted to abolish the native splice acceptor site. Additionally, RT-PCR studies haven shown that this alteration leads to skipping of exon 13 (coding exon 10) in the FLCN gene (Kunogi M et al. J. Med. Genet., 2010 Apr;47:281-7). Alterations that disrupt the canonical splice site are expected to cause aberrant splicing, resulting in an abnormal protein or a transcript that is subject to nonsense-mediated mRNA decay. Based on the supporting evidence, this alteration is interpreted as a disease-causing mutation.

Division of Respiratory Medicine of Juntendo University, Juntendo University Faculty of Medicine and Graduate School of Medicine
Classification: Pathogenic for Birt-Hogg-Dube syndrome 1. Last evaluated: 2023-07-01. Review status: no assertion criteria provided. Collection method: clinical testing. Allele origin: germline. Affected: yes. Not counted in ClinVar's aggregate classification.

Literature cited by the submitters: PubMed 20413710 (cited by Ambry Genetics); PubMed 24393238 (cited by Ambry Genetics).